The following is an entry in ClinVar:

ClinVar aggregate classification (germline): Conflicting classifications of pathogenicity. Review status: criteria provided, conflicting classifications (1 of 4 stars). 5 submissions from 5 submitters: Uncertain significance (3); Likely benign (1). 1 of the submissions does not count toward it. Last evaluated 2026-01-05.

Conditions:
CUBN-related disorder. Also called: CUBN-related condition.
Inborn genetic diseases. Identifiers: MedGen C0950123, MeSH D030342.
Imerslund-Grasbeck syndrome. Also called: ENTEROCYTE COBALAMIN MALABSORPTION; ENTEROCYTE INTRINSIC FACTOR RECEPTOR, DEFECT OF; Imerslund-Gräsbeck syndrome; Megaloblastic anemia due to inborn errors of metabolism; PERNICIOUS ANEMIA, JUVENILE, DUE TO SELECTIVE INTESTINAL MALABSORPTION OF VITAMIN B12, WITH PROTEINURIA. Identifiers: Orphanet 35858, MedGen C4551825, MONDO:0009853.
Imerslund-Grasbeck syndrome type 1 (IGS1). Also called: Megaloblastic anemia 1, Finnish type; Imerslund-Gräsbeck syndrome 1; MEGALOBLASTIC ANEMIA, 1. Identifiers: MedGen C4016819, MONDO:0100156, OMIM 261100.
Proteinuria, chronic benign. Identifiers: MedGen C5394384, MONDO:0030042, OMIM 618884.

Allele frequency attached by ClinVar (database versions not stated): 1000 Genomes Project 0.00020; ESP Exome Variant Server 0.00008; ExAC 0.00019; gnomAD 0.00024 and 0.00026; 1000 Genomes Project 30x 0.00031.
gnomAD v4.1: 145 of 1,613,558 alleles (0.009%); highest among the groups gnomAD compares: East Asian, 0.087%; 4 homozygotes.

Submissions (5):

Labcorp Genetics (formerly Invitae), Labcorp
Classification: Likely benign for Imerslund-Grasbeck syndrome. Last evaluated: 2026-01-05. Review status: criteria provided, single submitter. Criteria: Invitae Variant Classification Sherloc (09022015). Collection method: clinical testing. Allele origin: germline.

Ambry Genetics
Classification: Uncertain significance for Inborn genetic diseases. Last evaluated: 2022-05-25. Review status: criteria provided, single submitter. Criteria: Ambry Variant Classification Scheme 2023. Collection method: clinical testing. Allele origin: germline.

Fulgent Genetics
Classification: Uncertain significance for Imerslund-Grasbeck syndrome type 1; Proteinuria, chronic benign. Last evaluated: 2022-03-03. Review status: criteria provided, single submitter. Criteria: ACMG Guidelines, 2015. Collection method: clinical testing. Allele origin: unknown.

Illumina Laboratory Services, Illumina
Classification: Uncertain significance for Imerslund-Grasbeck syndrome type 1. Last evaluated: 2018-01-13. Review status: criteria provided, single submitter. Criteria: ICSL Variant Classification Criteria 13 December 2019. Collection method: clinical testing. Allele origin: germline.

PreventionGenetics, part of Exact Sciences
Classification: Likely benign for CUBN-related condition. Last evaluated: 2022-03-21. Review status: no assertion criteria provided. Collection method: clinical testing. Allele origin: germline. Not counted in ClinVar's aggregate classification.
Comment: This variant is classified as likely benign based on ACMG/AMP sequence variant interpretation guidelines (Richards et al. 2015 PMID: 25741868, with internal and published modifications).

NM_001081.4(CUBN):c.2932C>A (p.His978Asn)

Gene: CUBN (cubilin; minus strand). Cytogenetic location: 10p13.
Variant type: single nucleotide variant.
Coding change: c.2932C>A on transcript NM_001081.4 (MANE Select); coding-DNA position 2932, C replaced by A.
Protein change: p.His978Asn; replaces histidine 978 with asparagine.
Molecular consequence: missense variant.
Genome position (GRCh38, 1-based): chr10:17,068,140, G>T on the plus strand (C>A on the coding strand, the complement: CUBN is on the minus strand). VCF-style: chr10-17068140-G-T. GRCh37 (hg19) VCF-style: chr10-17110139-G-T.
Other names: short protein forms H978N.
Identifiers: ClinVar variation 878600 (VCV000878600.13), dbSNP rs369981313, ClinGen allele CA5424821.
Genomic context (GRCh38, chr10:17,068,140, plus strand): 5'-CAGAGTCGGTGTCATAAACTTCCAAGTAGTCGTTTGTGCAATTGTAATGAAACTCCAGAT[G>T]AAATGTTTCGAACATTAAATGAATCAGGTGATTAGGTTGGACTAATATATGCCAAGTACA-3'
Protein context (NP_001072.2, residues 968-988): HLIHLMFETF[His978Asn]LEFHYNCTND